The following is an entry in ClinVar:

ClinVar aggregate classification (germline): Pathogenic (1 of 4 stars; one submission).

Conditions:
Allan-Herndon-Dudley syndrome (AHDS). Also called: MENTAL RETARDATION AND MUSCULAR ATROPHY; T3 RESISTANCE; TRIIODOTHYRONINE RESISTANCE; Passos-Bueno syndrome; ALLAN-HERNDON SYNDROME. Identifiers: Orphanet 59, MedGen C0795889, MONDO:0010354, OMIM 300523.

Submission:

Illumina Laboratory Services, Illumina
Classification: Pathogenic for Allan-Herndon-Dudley syndrome. Last evaluated: 2019-02-15. Review status: criteria provided, single submitter. Criteria: ICSLVariantClassificationCriteria RUGD 01 April 2020. Collection method: clinical testing. Allele origin: unknown.
Comment: The SLC16A2 c.532dupG p.(Ala178GlyfsTer63) variant causes a shift in the protein reading frame that is predicted to result in premature termination of the protein. Loss of normal protein function through either protein truncation or nonsense-mediated mRNA decay is expected. To our knowledge, this variant has not been reported in the peer-reviewed literature. This variant is not observed in version 2.1.1 of the Genome Aggregation Database. Based on the available evidence, the c.532dupG p.(Ala178GlyfsTer63) variant is classified as pathogenic for Allan-Herndon-Dudley syndrome.

NM_006517.5(SLC16A2):c.532dup (p.Ala178fs)

Gene: SLC16A2 (solute carrier family 16 member 2; plus strand). Cytogenetic location: Xq13.2.
Variant type: Duplication.
Coding change: c.532dup on transcript NM_006517.5 (MANE Select); coding-DNA position 532, one base duplicated (G; older notation c.532dupG).
Protein change: p.Ala178fs; shifts the reading frame from alanine 178.
Molecular consequence: frameshift variant.
Genome position (GRCh38, 1-based): chrX:74,521,091, G duplicated; the last of 5 consecutive G bases (chrX:74,521,087-74,521,091); duplicating any one gives the same sequence. VCF-style (leftmost placement, unchanged base first): chrX-74521086-C-CG. GRCh37 (hg19) VCF-style: chrX-73740921-C-CG.
Other names: short protein forms A178fs.
Identifiers: ClinVar variation 3062056 (VCV003062056.1), dbSNP rs1555989375, ClinGen allele CA2695234505.
Genomic context (GRCh38, chrX:74,521,086, plus strand): 5'-TCTGTTCTCCCATTGTGAGTATATTCACTGACCGTTTGGGCTGCCGAATCACAGCAACCG[C>CG]GGGGGCTGCCGTTGCTTTCATTGGCCTCCATACCAGCTCCTTCACCAGGTAAGGCTAAGA-3'